The following is an entry in ClinVar:

ClinVar aggregate classification (germline): Conflicting classifications of pathogenicity. Review status: criteria provided, conflicting classifications (1 of 4 stars). 2 submissions from 2 submitters: Pathogenic (1); Uncertain significance (1). Last evaluated 2022-07-19.

Submissions (2):

Labcorp Genetics (formerly Invitae), Labcorp
Classification: Uncertain significance. Last evaluated: 2022-07-19. Review status: criteria provided, single submitter. Criteria: Invitae Variant Classification Sherloc (09022015). Collection method: clinical testing. Allele origin: germline.
Comment: This sequence change replaces tryptophan, which is neutral and slightly polar, with arginine, which is basic and polar, at codon 59 of the SOX11 protein (p.Trp59Arg). This variant is not present in population databases (gnomAD no frequency). This variant has not been reported in the literature in individuals affected with SOX11-related conditions. ClinVar contains an entry for this variant (Variation ID: 1218667). Algorithms developed to predict the effect of missense changes on protein structure and function are either unavailable or do not agree on the potential impact of this missense change (SIFT: "Deleterious"; PolyPhen-2: "Probably Damaging"; Align-GVGD: "Class C0"). In summary, the available evidence is currently insufficient to determine the role of this variant in disease. Therefore, it has been classified as a Variant of Uncertain Significance.

GeneDx
Classification: Pathogenic. Last evaluated: 2019-10-07. Review status: criteria provided, single submitter. Criteria: GeneDx Variant Classification Process June 2021. Collection method: clinical testing. Allele origin: germline. Affected: yes.
Comment: Not observed in large population cohorts (Lek et al., 2016); In silico analysis, which includes protein predictors and evolutionary conservation, supports a deleterious effect; Has not been previously published as pathogenic or benign to our knowledge

NM_003108.4(SOX11):c.175T>C (p.Trp59Arg)

Gene: SOX11 (SRY-box transcription factor 11; plus strand). Cytogenetic location: 2p25.2.
Variant type: single nucleotide variant.
Coding change: c.175T>C on transcript NM_003108.4 (MANE Select); coding-DNA position 175, T replaced by C.
Protein change: p.Trp59Arg; replaces tryptophan 59 with arginine.
Molecular consequence: missense variant.
Genome position (GRCh38, 1-based): chr2:5,692,896, T>C. VCF-style: chr2-5692896-T-C. GRCh37 (hg19) VCF-style: chr2-5833028-T-C.
Other names: short protein forms W59R.
Identifiers: ClinVar variation 1218667 (VCV001218667.8), dbSNP rs2103276343, ClinGen allele CA345866109.